The following is an entry in ClinVar:

ClinVar aggregate classification (germline): Uncertain significance (1 of 4 stars; one submission).

Conditions:
Cardiovascular phenotype. Identifiers: MedGen CN230736.

Submission:

Ambry Genetics
Classification: Uncertain significance for Cardiovascular phenotype. Last evaluated: 2025-02-13. Review status: criteria provided, single submitter. Criteria: Ambry Variant Classification Scheme 2023. Collection method: clinical testing. Allele origin: germline.
Comment: The p.A1902V variant (also known as c.5705C>T), located in coding exon 35 of the FLNC gene, results from a C to T substitution at nucleotide position 5705. The alanine at codon 1902 is replaced by valine, an amino acid with similar properties. This amino acid position is conserved. In addition, this alteration is predicted to be deleterious by in silico analysis. Based on the available evidence, the clinical significance of this variant remains unclear.

NM_001458.5(FLNC):c.5705C>T (p.Ala1902Val)

Genes: FLNC-AS1 (FLNC antisense RNA 1; minus strand), FLNC (filamin C; plus strand). Cytogenetic location: 7q32.1.
Variant type: single nucleotide variant.
Coding change: c.5705C>T on transcript NM_001458.5 (MANE Select); coding-DNA position 5705, C replaced by T.
Protein change: p.Ala1902Val; replaces alanine 1902 with valine.
Molecular consequence: missense variant. On other transcripts: non-coding transcript variant (1).
Genome position (GRCh38, 1-based): chr7:128,851,491, C>T. VCF-style: chr7-128851491-C-T. GRCh37 (hg19) VCF-style: chr7-128491545-C-T.
Other names: c.5606C>T, p.Ala1869Val (NM_001127487.2); short protein forms A1869V, A1902V.
Identifiers: ClinVar variation 3850792 (VCV003850792.1).